The following is an entry in ClinVar:

ClinVar aggregate classification (germline): Likely benign (1 of 4 stars; one submission).

Allele frequency attached by ClinVar (database versions not stated): gnomAD exomes below 0.00001.
gnomAD v4.1: 1 of 1,172,118 alleles (0.000085%); highest among the groups gnomAD compares: Non-Finnish European, 0.00011%; no homozygotes.

Submission:

CeGaT Center for Human Genetics Tuebingen
Classification: Likely benign. Last evaluated: 2022-03-01. Review status: criteria provided, single submitter. Criteria: CeGaT Center For Human Genetics Tuebingen Variant Classification Criteria Version 2. Collection method: clinical testing. Allele origin: germline. Affected: yes. Observed: 1 variant allele.
Comment: PLXNB3: PM2:Supporting, BP4, BP7

NM_005393.3(PLXNB3):c.948C>G (p.Ala316=)

Gene: PLXNB3 (plexin B3; plus strand). Cytogenetic location: Xq28.
Variant type: single nucleotide variant.
Coding change: c.948C>G on transcript NM_005393.3 (MANE Select); coding-DNA position 948, C replaced by G.
Protein change: p.Ala316=; no amino-acid change (alanine 316 retained).
Molecular consequence: synonymous variant.
Genome position (GRCh38, 1-based): chrX:153,767,775, C>G. VCF-style: chrX-153767775-C-G. GRCh37 (hg19) VCF-style: chrX-153033230-C-G.
Other names: c.1017C>G, p.Ala339= (NM_001163257.2).
Identifiers: ClinVar variation 2661719 (VCV002661719.24), dbSNP rs1557059892, ClinGen allele CA519347269.